The following is an entry in ClinVar:

NM_020975.6(RET):c.1127T>C (p.Val376Ala)

Gene: RET (ret proto-oncogene; plus strand). Cytogenetic location: 10q11.21.
Variant type: single nucleotide variant.
Coding change: c.1127T>C on transcript NM_020975.6 (MANE Select); coding-DNA position 1127, T replaced by C.
Protein change: p.Val376Ala; replaces valine 376 with alanine.
Molecular consequence: missense variant. On other transcripts: intron variant (18).
Genome position (GRCh38, 1-based): chr10:43,109,094, T>C. VCF-style: chr10-43109094-T-C. GRCh37 (hg19) VCF-style: chr10-43604542-T-C.
Other names: c.365T>C, p.Val122Ala (NM_001355216.2); c.1127T>C, p.Val376Ala (NM_001406743.1, NM_001406744.1, NM_001406759.1 and 4 more transcripts); c.998T>C, p.Val333Ala (NM_001406761.1, NM_001406762.1, NM_001406764.1 and 1 more transcripts); c.839T>C, p.Val280Ala (NM_001406766.1, NM_001406767.1, NM_001406770.1); c.689T>C, p.Val230Ala (NM_001406771.1, NM_001406773.1); c.401T>C, p.Val134Ala (NM_001406775.1, NM_001406776.1, NM_001406777.1 and 1 more transcripts); c.137T>C, p.Val46Ala (NM_001406784.1); c.868-2113T>C (NM_001406772.1, NM_001406769.1); and 5 more; short protein forms V122A, V376A, V46A, V333A, V134A, V230A, V280A.
Identifiers: ClinVar variation 4844004 (VCV004844004.1).
Genomic context (GRCh38, chr10:43,109,094, plus strand): 5'-TGGTTCTCAACCGGAACCTCTCCATCTCGGAGAACCGCACCATGCAGCTGGCGGTGCTGG[T>C]CAATGACTCAGACTTCCAGGGCCCAGGAGCGGGCGTCCTCTTGCTCCACTTCAACGTGTC-3'
Protein context (NP_066124.1, residues 366-386): ENRTMQLAVL[Val376Ala]NDSDFQGPGA

ClinVar aggregate classification (germline): Uncertain significance (1 of 4 stars; one submission).

Conditions:
Hereditary cancer-predisposing syndrome. Also called: Neoplastic Syndromes, Hereditary; Tumor predisposition; Hereditary Cancer Syndrome; Hereditary neoplastic syndrome. Identifiers: Orphanet 140162, MedGen C0027672, MeSH D009386, MONDO:0015356.

gnomAD v4.1: 1 of 1,613,878 alleles (0.000062%); highest among the groups gnomAD compares: South Asian, 0.0011%; no homozygotes.

Submission:

Ambry Genetics
Classification: Uncertain significance for Hereditary cancer-predisposing syndrome. Last evaluated: 2025-12-31. Review status: criteria provided, single submitter. Criteria: Ambry Variant Classification Scheme 2023. Collection method: clinical testing. Allele origin: germline.
Comment: The p.V376A variant (also known as c.1127T>C), located in coding exon 6 of the RET gene, results from a T to C substitution at nucleotide position 1127. The valine at codon 376 is replaced by alanine, an amino acid with similar properties. This amino acid position is highly conserved in available vertebrate species. In addition, this alteration is predicted to be deleterious by in silico analysis. Based on the available evidence, the clinical significance of this variant remains unclear.